The following is an entry in ClinVar:

NM_173628.4(DNAH17):c.995C>T (p.Ala332Val)

Gene: DNAH17 (dynein axonemal heavy chain 17; minus strand). Cytogenetic location: 17q25.3.
Variant type: single nucleotide variant.
Coding change: c.995C>T on transcript NM_173628.4 (MANE Select); coding-DNA position 995, C replaced by T.
Protein change: p.Ala332Val; replaces alanine 332 with valine.
Molecular consequence: missense variant.
Genome position (GRCh38, 1-based): chr17:78,570,296, G>A on the plus strand (C>T on the coding strand, the complement: DNAH17 is on the minus strand). VCF-style: chr17-78570296-G-A. GRCh37 (hg19) VCF-style: chr17-76566378-G-A.
Other names: short protein forms A332V.
Identifiers: ClinVar variation 2382590 (VCV002382590.19), dbSNP rs139546299, ClinGen allele CA8805379.
Genomic context (GRCh38, chr17:78,570,296, plus strand): 5'-GGGAGGGTTACCATCTCGATGATTTGGTTGCAGAACTCCTGCAGGATGACGATGATCCTG[G>A]CAGGTGTGTTATAGTACTCAGAGGTGGCCCAGATGAAGCAGATGGTGTCCAGCACCTTGG-3'
Protein context (NP_775899.3, residues 322-342): WATSEYYNTP[Ala332Val]RIIVILQEFC

ClinVar aggregate classification (germline): Likely benign. Review status: criteria provided, multiple submitters, no conflicts (2 of 4 stars). 3 submissions from 3 submitters: Likely benign (2). 1 of the submissions does not count toward it. Last evaluated 2024-08-01.

Conditions:
DNAH17-related disorder. Also called: DNAH17-related condition.
Inborn genetic diseases. Identifiers: MedGen C0950123, MeSH D030342.

Allele frequency attached by ClinVar (database versions not stated): gnomAD exomes 0.00026; TOPMed 0.00031; gnomAD 0.00032; ESP Exome Variant Server 0.00046; ExAC 0.00075.
gnomAD v4.1: 461 of 1,600,836 alleles (0.029%); highest among the groups gnomAD compares: East Asian, 0.079%; 3 homozygotes.

Submissions (3):

CeGaT Center for Human Genetics Tuebingen
Classification: Likely benign. Last evaluated: 2024-08-01. Review status: criteria provided, single submitter. Criteria: CeGaT Center For Human Genetics Tuebingen Variant Classification Criteria Version 2. Collection method: clinical testing. Allele origin: germline. Affected: yes. Observed: 1 variant allele.
Comment: DNAH17: BP4, BS2

Ambry Genetics
Classification: Likely benign for Inborn genetic diseases. Last evaluated: 2022-01-04. Review status: criteria provided, single submitter. Criteria: Ambry Variant Classification Scheme 2023. Collection method: clinical testing. Allele origin: germline.

PreventionGenetics, part of Exact Sciences
Classification: Benign for DNAH17-related condition. Last evaluated: 2019-04-05. Review status: no assertion criteria provided. Collection method: clinical testing. Allele origin: germline. Not counted in ClinVar's aggregate classification.
Comment: This variant is classified as benign based on ACMG/AMP sequence variant interpretation guidelines (Richards et al. 2015 PMID: 25741868, with internal and published modifications).